The following is an entry in ClinVar:

ClinVar aggregate classification (germline): Uncertain significance (1 of 4 stars; one submission).

Conditions:
Inborn genetic diseases. Identifiers: MedGen C0950123, MeSH D030342.

Submission:

Ambry Genetics
Classification: Uncertain significance for Inborn genetic diseases. Last evaluated: 2025-12-21. Review status: criteria provided, single submitter. Criteria: Ambry Variant Classification Scheme 2023. Collection method: clinical testing. Allele origin: germline.
Comment: The p.S163P variant (also known as c.487T>C), located in coding exon 1 of the FANCM gene, results from a T to C substitution at nucleotide position 487. The serine at codon 163 is replaced by proline, an amino acid with similar properties. This amino acid position is conserved. In addition, this alteration is predicted to be tolerated by in silico analysis. Based on the available evidence, the clinical significance of this variant remains unclear.

NM_020937.4(FANCM):c.487T>C (p.Ser163Pro)

Gene: FANCM (FA complementation group M; plus strand). Cytogenetic location: 14q21.2.
Variant type: single nucleotide variant.
Coding change: c.487T>C on transcript NM_020937.4 (MANE Select); coding-DNA position 487, T replaced by C.
Protein change: p.Ser163Pro; replaces serine 163 with proline.
Molecular consequence: missense variant.
Genome position (GRCh38, 1-based): chr14:45,136,518, T>C. VCF-style: chr14-45136518-T-C. GRCh37 (hg19) VCF-style: chr14-45605721-T-C.
Other names: c.487T>C, p.Ser163Pro (NM_001308133.2, NM_001308134.2); short protein forms S163P.
Identifiers: ClinVar variation 4841738 (VCV004841738.1).